The following is an entry in ClinVar:

NM_001162501.2(TNRC6B):c.4379A>C (p.Lys1460Thr)

Gene: TNRC6B (trinucleotide repeat containing adaptor 6B; plus strand). Cytogenetic location: 22q13.1.
Variant type: single nucleotide variant.
Coding change: c.4379A>C on transcript NM_001162501.2 (MANE Select); coding-DNA position 4379, A replaced by C.
Protein change: p.Lys1460Thr; replaces lysine 1460 with threonine.
Molecular consequence: missense variant.
Genome position (GRCh38, 1-based): chr22:40,310,937, A>C. VCF-style: chr22-40310937-A-C. GRCh37 (hg19) VCF-style: chr22-40706941-A-C.
Other names: c.1967A>C, p.Lys656Thr (NM_001024843.2); c.4049A>C, p.Lys1350Thr (NM_015088.3); short protein forms K1350T, K1460T, K656T.
Identifiers: ClinVar variation 2632876 (VCV002632876.1), dbSNP rs897453330, ClinGen allele CA324446467.

ClinVar aggregate classification (germline): Uncertain significance (1 of 4 stars; one submission).

Conditions:
TNRC6B-related disorder. Also called: TNRC6B-related condition.

Allele frequency attached by ClinVar (database versions not stated): TOPMed 0.00002.

Submission:

PreventionGenetics, part of Exact Sciences
Classification: Uncertain significance for TNRC6B-related condition. Last evaluated: 2023-05-25. Review status: criteria provided, single submitter. Criteria: ACMG Guidelines, 2015. Collection method: clinical testing. Allele origin: germline.
Comment: The TNRC6B c.4379A>C variant is predicted to result in the amino acid substitution p.Lys1460Thr. To our knowledge, this variant has not been reported in the literature or in a large population database, indicating this variant is rare. At this time, the clinical significance of this variant is uncertain due to the absence of conclusive functional and genetic evidence.